The following is an entry in ClinVar:

ClinVar aggregate classification (germline): Uncertain significance. Review status: criteria provided, multiple submitters, no conflicts (2 of 4 stars). 2 submissions from 2 submitters: Uncertain significance (2). Last evaluated 2024-03-25.

Conditions:
Inborn genetic diseases. Identifiers: MedGen C0950123, MeSH D030342.
Familial hemophagocytic lymphohistiocytosis 2 (FHL2). Also called: PRF1-Related Familial Hemophagocytic Lymphohistiocytosis (PRF1-fHLH). Identifiers: Orphanet 540, MedGen C1863727, MONDO:0011337, OMIM 603553.

Allele frequency attached by ClinVar (database versions not stated): TOPMed 0.00001; gnomAD exomes below 0.00001.

Submissions (2):

Ambry Genetics
Classification: Uncertain significance for Inborn genetic diseases. Last evaluated: 2024-03-25. Review status: criteria provided, single submitter. Criteria: Ambry Variant Classification Scheme 2023. Collection method: clinical testing. Allele origin: germline.

Labcorp Genetics (formerly Invitae), Labcorp
Classification: Uncertain significance for Familial hemophagocytic lymphohistiocytosis 2. Last evaluated: 2021-12-02. Review status: criteria provided, single submitter. Criteria: Invitae Variant Classification Sherloc (09022015). Collection method: clinical testing. Allele origin: germline.
Comment: This sequence change replaces glutamic acid, which is acidic and polar, with lysine, which is basic and polar, at codon 115 of the PRF1 protein (p.Glu115Lys). This variant is not present in population databases (gnomAD no frequency). This variant has not been reported in the literature in individuals affected with PRF1-related conditions. Algorithms developed to predict the effect of missense changes on protein structure and function are either unavailable or do not agree on the potential impact of this missense change (SIFT: "Tolerated"; PolyPhen-2: "Possibly Damaging"; Align-GVGD: "Class C0"). In summary, the available evidence is currently insufficient to determine the role of this variant in disease. Therefore, it has been classified as a Variant of Uncertain Significance.

NM_001083116.3(PRF1):c.343G>A (p.Glu115Lys)

Gene: PRF1 (perforin 1; minus strand). Cytogenetic location: 10q22.1.
Variant type: single nucleotide variant.
Coding change: c.343G>A on transcript NM_001083116.3 (MANE Select); coding-DNA position 343, G replaced by A.
Protein change: p.Glu115Lys; replaces glutamic acid 115 with lysine.
Molecular consequence: missense variant.
Genome position (GRCh38, 1-based): chr10:70,600,560, C>T on the plus strand (G>A on the coding strand, the complement: PRF1 is on the minus strand). VCF-style: chr10-70600560-C-T. GRCh37 (hg19) VCF-style: chr10-72360316-C-T.
Other names: c.343G>A, p.Glu115Lys (NM_005041.6); c.343G>A (NM_001083116.1); short protein forms E115K.
Identifiers: ClinVar variation 1401709 (VCV001401709.7), dbSNP rs1399537466, ClinGen allele CA376959606.